The following is an entry in ClinVar:

ClinVar aggregate classification (germline): Pathogenic (1 of 4 stars; one submission).

Submission:

Labcorp Genetics (formerly Invitae), Labcorp
Classification: Pathogenic. Last evaluated: 2025-04-26. Review status: criteria provided, single submitter. Criteria: Invitae Variant Classification Sherloc (09022015). Collection method: clinical testing. Allele origin: germline.
Comment: This sequence change creates a premature translational stop signal (p.Asp1477Serfs*105) in the NOTCH3 gene. It is expected to result in an absent or disrupted protein product. Loss-of-function variants in NOTCH3 are known to be pathogenic (PMID: 25870235, 32980981, 38824264). This variant is not present in population databases (gnomAD no frequency). This variant has not been reported in the literature in individuals affected with NOTCH3-related conditions. For these reasons, this variant has been classified as Pathogenic.

Literature cited by the submitters: PubMed 25870235; PubMed 32980981; PubMed 38824264.

NM_000435.3(NOTCH3):c.4417_4427dup (p.Asp1477fs)

Gene: NOTCH3 (notch receptor 3; minus strand). Cytogenetic location: 19p13.12.
Variant type: Duplication.
Coding change: c.4417_4427dup on transcript NM_000435.3 (MANE Select); coding-DNA positions 4417 to 4427, 11 bases duplicated (AAGTACTGCGC).
Protein change: p.Asp1477fs; shifts the reading frame from aspartic acid 1477.
Molecular consequence: frameshift variant.
Genome position (GRCh38, 1-based): chr19:15,174,377-15,174,387, GCGCAGTACTT duplicated on the plus strand (AAGTACTGCGC on the coding strand, the reverse complement: NOTCH3 is on the minus strand). VCF-style (leftmost placement, unchanged base first): chr19-15174376-G-GGCGCAGTACTT. GRCh37 (hg19) VCF-style: chr19-15285187-G-GGCGCAGTACTT.
Other names: short protein forms D1477fs.
Identifiers: ClinVar variation 4696055 (VCV004696055.1).